The following is an entry in ClinVar:

ClinVar aggregate classification (germline): Benign (1 of 4 stars; one submission).

Conditions:
Breast-ovarian cancer, familial, susceptibility to, 3. Also called: RAD51C-Related Breast/Ovarian Cancer. Identifiers: Orphanet 145, MedGen C3150659, MONDO:0013253, OMIM 613399.

Submission:

Myriad Genetics, Inc.
Classification: Benign for Breast-ovarian cancer, familial, susceptibility to, 3. Last evaluated: 2025-02-18. Review status: criteria provided, single submitter. Criteria: Myriad Autosomal Dominant, Autosomal Recessive and X-Linked Classification Criteria (2023). Collection method: clinical testing. Allele origin: unknown.
Comment: This variant is considered benign. This variant is a silent/synonymous amino acid change and it is not expected to impact splicing.

NM_058216.3(RAD51C):c.411G>A (p.Gln137=)

Gene: RAD51C (RAD51 paralog C; plus strand). Cytogenetic location: 17q22.
Variant type: single nucleotide variant.
Coding change: c.411G>A on transcript NM_058216.3 (MANE Select); coding-DNA position 411, G replaced by A.
Protein change: p.Gln137=; no amino-acid change (glutamine 137 retained).
Molecular consequence: synonymous variant.
Genome position (GRCh38, 1-based): chr17:58,696,699, G>A. VCF-style: chr17-58696699-G-A. GRCh37 (hg19) VCF-style: chr17-56774060-G-A.
Identifiers: ClinVar variation 3903912 (VCV003903912.1).